The following is an entry in ClinVar:

ClinVar aggregate classification (germline): Conflicting classifications of pathogenicity. Review status: criteria provided, conflicting classifications (1 of 4 stars). 4 submissions from 4 submitters: Uncertain significance (2); Likely benign (2). Last evaluated 2025-12-28.

Conditions:
Cardiovascular phenotype. Identifiers: MedGen CN230736.
Hypertrophic cardiomyopathy 14. Identifiers: MedGen C2750467, MONDO:0013197, OMIM 613251.

Allele frequency attached by ClinVar (database versions not stated): TOPMed 0.00001 and 0.00002; gnomAD 0.00003 and 0.00006; gnomAD exomes 0.00009; ExAC 0.00010; 1000 Genomes Project 30x 0.00047; 1000 Genomes Project 0.00060.
gnomAD v4.1: 114 of 1,614,142 alleles (0.0071%); highest among the groups gnomAD compares: East Asian, 0.18%; no homozygotes.

Submissions (4):

Labcorp Genetics (formerly Invitae), Labcorp
Classification: Likely benign for Hypertrophic cardiomyopathy 14. Last evaluated: 2025-12-28. Review status: criteria provided, single submitter. Criteria: Invitae Variant Classification Sherloc (09022015). Collection method: clinical testing. Allele origin: germline.

GeneDx
Classification: Uncertain significance. Last evaluated: 2025-06-27. Review status: criteria provided, single submitter. Criteria: GeneDx Variant Classification Process June 2021. Collection method: clinical testing. Allele origin: germline. Affected: yes.
Comment: Identified in patient with sudden unexpected death in the young (SUDY) and in a case from forensic autopsy of a victim of accidental drowning; at least one patient harbored additional cardiogenetic variants (PMID: 30959811, 38296580); In silico analysis supports that this missense variant has a deleterious effect on protein structure/function; This variant is associated with the following publications: (PMID: 35621855, 38296580, 30959811, 38279275)

Ambry Genetics
Classification: Likely benign for Cardiovascular phenotype. Last evaluated: 2025-04-09. Review status: criteria provided, single submitter. Criteria: Ambry Variant Classification Scheme 2023. Collection method: clinical testing. Allele origin: germline.

Institute for Clinical Genetics, University Hospital TU Dresden, University Hospital TU Dresden
Classification: Uncertain significance. Last evaluated: 2023-02-02. Review status: criteria provided, single submitter. Criteria: ACMG Guidelines, 2015. Collection method: clinical testing. Allele origin: germline.

Literature cited by the submitters: PubMed 30959811 (cited by Ambry Genetics).

NM_002471.4(MYH6):c.1885G>A (p.Asp629Asn)

Gene: MYH6 (myosin heavy chain 6; minus strand). Cytogenetic location: 14q11.2.
Variant type: single nucleotide variant.
Coding change: c.1885G>A on transcript NM_002471.4 (MANE Select); coding-DNA position 1885, G replaced by A.
Protein change: p.Asp629Asn; replaces aspartic acid 629 with asparagine.
Molecular consequence: missense variant.
Genome position (GRCh38, 1-based): chr14:23,398,734, C>T on the plus strand (G>A on the coding strand, the complement: MYH6 is on the minus strand). VCF-style: chr14-23398734-C-T. GRCh37 (hg19) VCF-style: chr14-23867943-C-T.
Other names: short protein forms D629N.
Identifiers: ClinVar variation 1781975 (VCV001781975.10), dbSNP rs180904654, ClinGen allele CA7115687.
Genomic context (GRCh38, chr14:23,398,734, plus strand): 5'-GGCCCTTTGTGTCTTCAGAAGTCCCCTGGCCCAGTGCAGGGGCTGCCTGCTTACCAGTAT[C>T]GGCAGTTGCGTAGGAGGAGAAGAGAGTGGCCATGAGCTTGAGGGAGGACTTCTGGTACAG-3'
Protein context (NP_002462.2, residues 619-639): ATLFSSYATA[Asp629Asn]TGDSGKSKGG